The following is an entry in ClinVar:

ClinVar aggregate classification (germline): Uncertain significance. Review status: criteria provided, multiple submitters, no conflicts (2 of 4 stars). 2 submissions from 2 submitters: Uncertain significance (2). Last evaluated 2024-09-03.

Submissions (2):

Blueprint Genetics
Classification: Uncertain significance. Last evaluated: 2024-09-03. Review status: criteria provided, single submitter. Criteria: ACMG Guidelines, 2015. Collection method: clinical testing. Allele origin: germline.

Labcorp Genetics (formerly Invitae), Labcorp
Classification: Uncertain significance. Last evaluated: 2021-09-17. Review status: criteria provided, single submitter. Criteria: Invitae Variant Classification Sherloc (09022015). Collection method: clinical testing. Allele origin: germline.
Comment: This variant, c.1128_1130del, results in the deletion of 1 amino acid(s) of the FAM161A protein (p.Glu377del), but otherwise preserves the integrity of the reading frame. This variant is not present in population databases (ExAC no frequency). This variant has not been reported in the literature in individuals affected with FAM161A-related conditions. Experimental studies and prediction algorithms are not available or were not evaluated, and the functional significance of this variant is currently unknown. In summary, the available evidence is currently insufficient to determine the role of this variant in disease. Therefore, it has been classified as a Variant of Uncertain Significance.

NM_001201543.2(FAM161A):c.1122AGA[2] (p.Glu377del)

Gene: FAM161A (FAM161 centrosomal protein A; minus strand). Cytogenetic location: 2p15.
Variant type: Microsatellite.
Coding change: c.1122AGA[2] on transcript NM_001201543.2 (MANE Select); two copies in a row of the 3-base unit AGA starting at c.1122; the reference has three copies in a row; one copy, 3 bases deleted.
Protein change: p.Glu377del; deletes glutamic acid 377.
Molecular consequence: inframe deletion. On other transcripts: non-coding transcript variant (1).
Genome position (GRCh38, 1-based): chr2:61,839,874-61,839,876, TCT deleted on the plus strand (AGA on the coding strand, the reverse complement: FAM161A is on the minus strand); deleting any 3 consecutive bases within chr2:61,839,874-61,839,883 gives the same sequence; the position shown is the placement nearest the transcript's 3' end. VCF-style (leftmost placement, unchanged base first): chr2-61839873-CTCT-C. GRCh37 (hg19) VCF-style: chr2-62067008-CTCT-C.
Other names: c.1122AGA[2], p.Glu377del (NM_032180.3); short protein forms E377del.
Identifiers: ClinVar variation 2159681 (VCV002159681.2), dbSNP rs1218039364, ClinGen allele CA533181467.